The following is an entry in ClinVar:

ClinVar aggregate classification (germline): Uncertain significance (1 of 4 stars; one submission).

Submission:

GeneDx
Classification: Uncertain significance. Last evaluated: 2024-01-08. Review status: criteria provided, single submitter. Criteria: GeneDx Variant Classification Process June 2021. Collection method: clinical testing. Allele origin: germline. Affected: yes.
Comment: Not observed at significant frequency in large population cohorts (gnomAD); In silico analysis supports that this missense variant has a deleterious effect on protein structure/function; Has not been previously published as pathogenic or benign to our knowledge

NM_004973.4(JARID2):c.3326G>A (p.Arg1109His)

Gene: JARID2 (jumonji and AT-rich interaction domain containing 2; plus strand). Cytogenetic location: 6p22.3.
Variant type: single nucleotide variant.
Coding change: c.3326G>A on transcript NM_004973.4 (MANE Select); coding-DNA position 3326, G replaced by A.
Protein change: p.Arg1109His; replaces arginine 1109 with histidine.
Molecular consequence: missense variant.
Genome position (GRCh38, 1-based): chr6:15,513,298, G>A. VCF-style: chr6-15513298-G-A. GRCh37 (hg19) VCF-style: chr6-15513529-G-A.
Other names: c.2810G>A, p.Arg937His (NM_001267040.1); short protein forms R1109H, R937H.
Identifiers: ClinVar variation 3367615 (VCV003367615.1).
Genomic context (GRCh38, chr6:15,513,298, plus strand): 5'-GGGATACAGAGCTGCGGCAGCGCAGGCAGCTGTTCGAGGCTGGCCTCCACTCCTCCGCAC[G>A]CTATGGCAGCCACGATGGCAGCAGCACGGTGGCGGACGGGAAGAAAAAGCCTCGAAAGTG-3'
Protein context (NP_004964.2, residues 1099-1119): LFEAGLHSSA[Arg1109His]YGSHDGSSTV